The following is an entry in ClinVar:

ClinVar aggregate classification (germline): Pathogenic. Review status: criteria provided, multiple submitters, no conflicts (2 of 4 stars). 7 submissions from 6 submitters: Pathogenic (6). 1 of the submissions does not count toward it. Last evaluated 2024-08-12.

Conditions:
Rare genetic deafness. Identifiers: Orphanet 96210, MedGen C5680250.
USH2A-related disorder. Also called: USH2A-related condition; USH2A-related disorders. Identifiers: MedGen CN239332.
Retinitis pigmentosa 39 (RP39). Identifiers: Orphanet 791, MedGen C3151138, MONDO:0013436, OMIM 613809.
Usher syndrome type 2A. Also called: USHER SYNDROME, TYPE IIA; RETINAL DISEASE IN USHER SYNDROME TYPE IIA, MODIFIER OF. Identifiers: Orphanet 231178, Orphanet 886, MedGen C1848634, MONDO:0010169, OMIM 276901.

Allele frequency attached by ClinVar (database versions not stated): gnomAD 0.00001; TOPMed 0.00001.
gnomAD v4.1: 11 of 1,613,686 alleles (0.00068%); highest among the groups gnomAD compares: Non-Finnish European, 0.00093%; no homozygotes.

Submissions (7):

Labcorp Genetics (formerly Invitae), Labcorp
Classification: Pathogenic. Last evaluated: 2024-08-12. Review status: criteria provided, single submitter. Criteria: Invitae Variant Classification Sherloc (09022015). Collection method: clinical testing. Allele origin: germline.
Comment: This sequence change creates a premature translational stop signal (p.Trp2075*) in the USH2A gene. It is expected to result in an absent or disrupted protein product. Loss-of-function variants in USH2A are known to be pathogenic (PMID: 10729113, 10909849, 20507924, 25649381). This variant is present in population databases (rs111033386, gnomAD 0.0009%). This premature translational stop signal has been observed in individual(s) with Usher syndrome (PMID: 23352160). In at least one individual the data is consistent with being in trans (on the opposite chromosome) from a pathogenic variant. ClinVar contains an entry for this variant (Variation ID: 48554). For these reasons, this variant has been classified as Pathogenic.

Genome-Nilou Lab
Classification: Pathogenic for Retinitis pigmentosa 39. Last evaluated: 2023-11-04. Review status: criteria provided, single submitter. Criteria: ACMG Guidelines, 2015. Collection method: clinical testing. Allele origin: germline. Affected: no.

Genome-Nilou Lab
Classification: Pathogenic for Usher syndrome type 2A. Last evaluated: 2023-11-04. Review status: criteria provided, single submitter. Criteria: ACMG Guidelines, 2015. Collection method: clinical testing. Allele origin: germline. Affected: no.

Baylor Genetics
Classification: Pathogenic for Retinitis pigmentosa 39. Last evaluated: 2023-06-22. Review status: criteria provided, single submitter. Criteria: ACMG Guidelines, 2015. Collection method: clinical testing. Allele origin: unknown.

Blueprint Genetics
Classification: Pathogenic for USH2A-related disorders. Last evaluated: 2022-07-29. Review status: criteria provided, single submitter. Criteria: ACMG Guidelines, 2015. Collection method: clinical testing. Allele origin: germline. Affected: yes. Observed: 5 variant alleles.

Laboratory for Molecular Medicine, Mass General Brigham Personalized Medicine
Classification: Pathogenic for Rare genetic deafness. Last evaluated: 2011-11-30. Review status: criteria provided, single submitter. Criteria: LMM Criteria. Collection method: clinical testing. Allele origin: germline. Inheritance: Autosomal recessive inheritance. Observed: 2 variant alleles.
Comment: The Trp2075X variant lead s to a premature stop codon at position 2075, which is predicted to lead to a tr uncated or absent protein. In summary, this variant meets our criteria to be cla ssified as pathogenic.

Natera, Inc.
Classification: Pathogenic for Usher syndrome type 2A. Last evaluated: 2020-11-24. Review status: no assertion criteria provided. Collection method: clinical testing. Allele origin: germline. Not counted in ClinVar's aggregate classification.

Literature cited by the submitters: PubMed 10729113 (cited by Labcorp Genetics (formerly Invitae), Labcorp); PubMed 10909849 (cited by Labcorp Genetics (formerly Invitae), Labcorp); PubMed 20507924 (cited by Labcorp Genetics (formerly Invitae), Labcorp); PubMed 25649381 (cited by Labcorp Genetics (formerly Invitae), Labcorp); PubMed 23352160 (cited by Labcorp Genetics (formerly Invitae), Labcorp).

NM_206933.4(USH2A):c.6224G>A (p.Trp2075Ter)

Gene: USH2A (usherin; minus strand). Cytogenetic location: 1q41.
Variant type: single nucleotide variant.
Coding change: c.6224G>A on transcript NM_206933.4 (MANE Select); coding-DNA position 6224, G replaced by A.
Protein change: p.Trp2075Ter; replaces tryptophan 2075 with a stop codon.
Molecular consequence: nonsense.
Genome position (GRCh38, 1-based): chr1:216,046,532, C>T on the plus strand (G>A on the coding strand, the complement: USH2A is on the minus strand). VCF-style: chr1-216046532-C-T. GRCh37 (hg19) VCF-style: chr1-216219874-C-T.
Other names: short protein forms W2075*.
Identifiers: ClinVar variation 48554 (VCV000048554.20), dbSNP rs111033386, ClinGen allele CA262111.